The following is an entry in ClinVar:

NM_001292063.2(OTOG):c.7753C>T (p.His2585Tyr)

Gene: OTOG (otogelin; plus strand). Cytogenetic location: 11p15.1.
Variant type: single nucleotide variant.
Coding change: c.7753C>T on transcript NM_001292063.2 (MANE Select); coding-DNA position 7753, C replaced by T.
Protein change: p.His2585Tyr; replaces histidine 2585 with tyrosine.
Molecular consequence: missense variant.
Genome position (GRCh38, 1-based): chr11:17,635,669, C>T. VCF-style: chr11-17635669-C-T. GRCh37 (hg19) VCF-style: chr11-17657216-C-T.
Other names: c.7789C>T, p.His2597Tyr (NM_001277269.2); short protein forms H2585Y, H2597Y.
Identifiers: ClinVar variation 3600819 (VCV003600819.1).
Genomic context (GRCh38, chr11:17,635,669, plus strand): 5'-GCCTGTGGTGACTGTCCAGACTCCATCCCCGAATGTCAAGAAGGGGAGGCGCTCACTGTG[C>T]ACAGGAATACCACGGAACTCTGCTGCCCTCTGTACCAGTGTGGTGAGTCCTGGCTGGGCA-3'
Protein context (NP_001278992.1, residues 2575-2595): ECQEGEALTV[His2585Tyr]RNTTELCCPL

ClinVar aggregate classification (germline): Uncertain significance (1 of 4 stars; one submission).

gnomAD v4.1: 2 of 1,550,574 alleles (0.00013%); highest among the groups gnomAD compares: East Asian, 0.0049%; no homozygotes.

Submission:

GeneDx
Classification: Uncertain significance. Last evaluated: 2024-07-24. Review status: criteria provided, single submitter. Criteria: GeneDx Variant Classification Process June 2021. Collection method: clinical testing. Allele origin: germline. Affected: yes.
Comment: Not observed at significant frequency in large population cohorts (gnomAD); In silico analysis indicates that this missense variant does not alter protein structure/function; Has not been previously published as pathogenic or benign to our knowledge